The following is an entry in ClinVar:

ClinVar aggregate classification (germline): Uncertain significance. Review status: criteria provided, multiple submitters, no conflicts (2 of 4 stars). 2 submissions from 2 submitters: Uncertain significance (2). Last evaluated 2024-11-13.

Allele frequency attached by ClinVar (database versions not stated): gnomAD 0.00001.
gnomAD v4.1: 8 of 1,613,876 alleles (0.0005%); highest among the groups gnomAD compares: Admixed American, 0.0017%; no homozygotes.

Submissions (2):

Blueprint Genetics
Classification: Uncertain significance. Last evaluated: 2024-11-13. Review status: criteria provided, single submitter. Criteria: ACMG Guidelines, 2015. Collection method: clinical testing. Allele origin: germline.

Labcorp Genetics (formerly Invitae), Labcorp
Classification: Uncertain significance. Last evaluated: 2022-04-28. Review status: criteria provided, single submitter. Criteria: Invitae Variant Classification Sherloc (09022015). Collection method: clinical testing. Allele origin: germline.
Comment: This sequence change replaces proline, which is neutral and non-polar, with leucine, which is neutral and non-polar, at codon 305 of the ARSG protein (p.Pro305Leu). This variant is present in population databases (no rsID available, gnomAD 0.003%). This variant has not been reported in the literature in individuals affected with ARSG-related conditions. Algorithms developed to predict the effect of missense changes on protein structure and function are either unavailable or do not agree on the potential impact of this missense change (SIFT: "Deleterious"; PolyPhen-2: "Possibly Damaging"; Align-GVGD: "Class C0"). In summary, the available evidence is currently insufficient to determine the role of this variant in disease. Therefore, it has been classified as a Variant of Uncertain Significance.

NM_001267727.2(ARSG):c.914C>T (p.Pro305Leu)

Gene: ARSG (arylsulfatase G; plus strand). Cytogenetic location: 17q24.2.
Variant type: single nucleotide variant.
Coding change: c.914C>T on transcript NM_001267727.2 (MANE Select); coding-DNA position 914, C replaced by T.
Protein change: p.Pro305Leu; replaces proline 305 with leucine.
Molecular consequence: missense variant.
Genome position (GRCh38, 1-based): chr17:68,370,456, C>T. VCF-style: chr17-68370456-C-T. GRCh37 (hg19) VCF-style: chr17-66366597-C-T.
Other names: c.914C>T, p.Pro305Leu (NM_001352899.2, NM_001352900.2, NM_001352901.2 and 3 more transcripts); c.911C>T, p.Pro304Leu (NM_001352903.2, NM_001352904.2, NM_001352905.2 and 2 more transcripts); c.866C>T, p.Pro289Leu (NM_001352909.2); short protein forms P289L, P304L, P305L.
Identifiers: ClinVar variation 1906493 (VCV001906493.3), dbSNP rs1330340623, ClinGen allele CA400746774.